The following is an entry in ClinVar:

ClinVar aggregate classification (germline): Benign. Review status: criteria provided, multiple submitters, no conflicts (2 of 4 stars). 6 submissions from 6 submitters: Benign (6). Last evaluated 2026-01-28.

Conditions:
Cataract 18 (CATC2). Also called: CATARACT 18, AUTOSOMAL RECESSIVE. Identifiers: Orphanet 91492, Orphanet 98991, Orphanet 98992, Orphanet 98995, MedGen C1864908, MONDO:0012395, OMIM 610019.

Allele frequency attached by ClinVar (database versions not stated): ESP Exome Variant Server 0.65808; gnomAD 0.68219 and 0.69765; TOPMed 0.68689; 1000 Genomes Project 30x 0.75016; 1000 Genomes Project 0.76298; gnomAD exomes 0.77563 and 0.80804; ExAC 0.79893.
gnomAD v4.1: 1,240,438 of 1,613,298 alleles (77%); highest among the groups gnomAD compares: East Asian, 100%; 484,605 homozygotes.

Submissions (6):

Labcorp Genetics (formerly Invitae), Labcorp
Classification: Benign for Cataract 18. Last evaluated: 2026-01-28. Review status: criteria provided, single submitter. Criteria: Invitae Variant Classification Sherloc (09022015). Collection method: clinical testing. Allele origin: germline.

Genome-Nilou Lab
Classification: Benign for Cataract 18. Last evaluated: 2021-08-10. Review status: criteria provided, single submitter. Criteria: ACMG Guidelines, 2015. Collection method: clinical testing. Allele origin: germline. Affected: no.

GeneDx
Classification: Benign. Last evaluated: 2018-03-24. Review status: criteria provided, single submitter. Criteria: GeneDx Variant Classification (06012015). Collection method: clinical testing. Allele origin: germline. Affected: yes.
Comment: This variant is considered likely benign or benign based on one or more of the following criteria: it is a conservative change, it occurs at a poorly conserved position in the protein, it is predicted to be benign by multiple in silico algorithms, and/or has population frequency not consistent with disease.

Illumina Laboratory Services, Illumina
Classification: Benign for Cataract 18. Last evaluated: 2018-01-13. Review status: criteria provided, single submitter. Criteria: ICSL Variant Classification Criteria 13 December 2019. Collection method: clinical testing. Allele origin: germline.
Comment: This variant was observed in the ICSL laboratory as part of a predisposition screen in an ostensibly healthy population. It had not been previously curated by ICSL or reported in the Human Gene Mutation Database (HGMD: prior to June 1st, 2018), and was therefore a candidate for classification through an automated scoring system. Utilizing variant allele frequency, disease prevalence and penetrance estimates, and inheritance mode, an automated score was calculated to assess if this variant is too frequent to cause the disease. Based on the score and internal cut-off values, a variant classified as benign is not then subjected to further curation. The score for this variant resulted in a classification of benign for this disease.

Breakthrough Genomics
Classification: Benign. Review status: criteria provided, single submitter. Criteria: ACMG Guidelines, 2015. Collection method: not provided. Allele origin: germline. Inheritance: Autosomal recessive inheritance. Affected: yes.

PreventionGenetics, part of Exact Sciences
Classification: Benign. Review status: criteria provided, single submitter. Criteria: ACMG Guidelines, 2015. Collection method: clinical testing. Allele origin: germline.

NM_024513.4(FYCO1):c.267C>A (p.Arg89=)

Gene: FYCO1 (FYVE and coiled-coil domain autophagy adaptor 1; minus strand). Cytogenetic location: 3p21.31.
Variant type: single nucleotide variant.
Coding change: c.267C>A on transcript NM_024513.4 (MANE Select); coding-DNA position 267, C replaced by A.
Protein change: p.Arg89=; no amino-acid change (arginine 89 retained).
Molecular consequence: synonymous variant.
Genome position (GRCh38, 1-based): chr3:45,979,726, G>T on the plus strand (C>A on the coding strand, the complement: FYCO1 is on the minus strand). VCF-style: chr3-45979726-G-T. GRCh37 (hg19) VCF-style: chr3-46021218-G-T.
Identifiers: ClinVar variation 261723 (VCV000261723.17), dbSNP rs4682801, ClinGen allele CA2353542.